The following is an entry in ClinVar:

ClinVar aggregate classification (germline): Uncertain significance. Review status: criteria provided, multiple submitters, no conflicts (2 of 4 stars). 3 submissions from 3 submitters: Uncertain significance (3). Last evaluated 2026-08-24.

Conditions:
PDE6B-related disorder. Also called: PDE6B-related disease; PDE6B-related condition; PDE6B-related disorders.

Allele frequency attached by ClinVar (database versions not stated): gnomAD 0.00001; ExAC 0.00003.
gnomAD v4.1: 16 of 1,611,042 alleles (0.00099%); highest among the groups gnomAD compares: East Asian, 0.0022%; no homozygotes.

Submissions (3):

PreventionGenetics, part of Exact Sciences
Classification: Uncertain significance for PDE6B-related condition. Last evaluated: 2026-08-24. Review status: criteria provided, single submitter. Criteria: ACMG Guidelines, 2015. Collection method: clinical testing. Allele origin: germline.
Comment: The PDE6B c.2130-15G>A variant is predicted to interfere with splicing. This variant is predicted to alter splicing based on available splicing prediction programs (SpliceAI, Jaganathan et al. 2019. PubMed ID: 30661751). However, the use of computer prediction programs is not equivalent to functional evidence. To our knowledge, this variant has not been reported in the literature. This variant is reported in 0.0039% of alleles in individuals of European (Non-Finnish) descent in gnomAD. However, the use of computer prediction programs is not equivalent to functional evidence, and therefore the clinical significance of this variant is uncertain.

Labcorp Genetics (formerly Invitae), Labcorp
Classification: Uncertain significance. Last evaluated: 2025-11-18. Review status: criteria provided, single submitter. Criteria: Invitae Variant Classification Sherloc (09022015). Collection method: clinical testing. Allele origin: germline.
Comment: This sequence change falls in intron 17 of the PDE6B gene. It does not directly change the encoded amino acid sequence of the PDE6B protein. This variant is present in population databases (rs765410161, gnomAD 0.004%). This variant has not been reported in the literature in individuals affected with PDE6B-related conditions. ClinVar contains an entry for this variant (Variation ID: 1476303). Algorithms developed to predict the effect of sequence changes on RNA splicing suggest that this variant may disrupt the consensus splice site. In summary, the available evidence is currently insufficient to determine the role of this variant in disease. Therefore, it has been classified as a Variant of Uncertain Significance.

Blueprint Genetics
Classification: Uncertain significance. Last evaluated: 2024-05-03. Review status: criteria provided, single submitter. Criteria: ACMG Guidelines, 2015. Collection method: clinical testing. Allele origin: germline.

NM_000283.4(PDE6B):c.2130-15G>A

Gene: PDE6B (phosphodiesterase 6B; plus strand). Cytogenetic location: 4p16.3.
Variant type: single nucleotide variant.
Coding change: c.2130-15G>A on transcript NM_000283.4 (MANE Select); 15 bases into the intron before coding-DNA position 2130, G replaced by A.
Molecular consequence: intron variant.
Genome position (GRCh38, 1-based): chr4:664,866, G>A. VCF-style: chr4-664866-G-A. GRCh37 (hg19) VCF-style: chr4-658655-G-A.
Other names: c.2130-15G>A (NM_000283.3, NM_001145291.2); c.1293-15G>A (NM_001379246.1, NM_001379247.1, NM_001145292.2 and 1 more transcripts); c.975-15G>A (NM_001350155.3).
Identifiers: ClinVar variation 1476303 (VCV001476303.10), dbSNP rs765410161, ClinGen allele CA2794904.